The following is an entry in ClinVar:

ClinVar aggregate classification (germline): Conflicting classifications of pathogenicity. Review status: criteria provided, conflicting classifications (1 of 4 stars). 3 submissions from 3 submitters: Uncertain significance (1); Likely benign (2). Last evaluated 2026-02-03.

Allele frequency attached by ClinVar (database versions not stated): TOPMed below 0.00001; gnomAD 0.00001 and 0.00003; gnomAD exomes 0.00005 and 0.00010; ExAC 0.00009.
gnomAD v4.1: 85 of 1,613,666 alleles (0.0053%); highest among the groups gnomAD compares: South Asian, 0.085%; 1 homozygote.

Submissions (3):

GeneDx
Classification: Uncertain significance. Last evaluated: 2026-02-03. Review status: criteria provided, single submitter. Criteria: GeneDx Variant Classification Process June 2021. Collection method: clinical testing. Allele origin: germline.
Comment: In silico analysis suggests that this missense variant does not alter protein structure/function; Has not been previously published as pathogenic or benign to our knowledge

Labcorp Genetics (formerly Invitae), Labcorp
Classification: Likely benign. Last evaluated: 2025-05-05. Review status: criteria provided, single submitter. Criteria: Invitae Variant Classification Sherloc (09022015). Collection method: clinical testing. Allele origin: germline.

Blueprint Genetics
Classification: Likely benign. Last evaluated: 2024-11-15. Review status: criteria provided, single submitter. Criteria: ACMG Guidelines, 2015. Collection method: clinical testing. Allele origin: germline.

NM_001098.3(ACO2):c.847A>G (p.Ile283Val)

Gene: ACO2 (aconitase 2; plus strand). Cytogenetic location: 22q13.2.
Variant type: single nucleotide variant.
Coding change: c.847A>G on transcript NM_001098.3 (MANE Select); coding-DNA position 847, A replaced by G.
Protein change: p.Ile283Val; replaces isoleucine 283 with valine.
Molecular consequence: missense variant.
Genome position (GRCh38, 1-based): chr22:41,517,538, A>G. VCF-style: chr22-41517538-A-G. GRCh37 (hg19) VCF-style: chr22-41913542-A-G.
Other names: c.847A>G (NM_001098.2); short protein forms I283V.
Identifiers: ClinVar variation 1485495 (VCV001485495.8), dbSNP rs746659632, ClinGen allele CA10257485.